The following is an entry in ClinVar:

ClinVar aggregate classification (germline): Benign/Likely benign. Review status: criteria provided, multiple submitters, no conflicts (2 of 4 stars). 9 submissions from 9 submitters: Benign (3); Likely benign (3). 3 of the submissions do not count toward it. Last evaluated 2026-06-01.

Conditions:
Hereditary cancer-predisposing syndrome. Also called: Neoplastic Syndromes, Hereditary; Tumor predisposition; Hereditary Cancer Syndrome; Hereditary neoplastic syndrome. Identifiers: Orphanet 140162, MedGen C0027672, MeSH D009386, MONDO:0015356.
Hereditary breast ovarian cancer syndrome. Also called: Breast and ovarian cancer; BRCA1- and BRCA2-Associated Hereditary Breast and Ovarian Cancer; Hereditary breast and ovarian cancer syndrome; Hereditary breast and/or ovarian cancer syndrome; Hereditary breast and ovarian cancer syndrome (HBOC); Hereditary breast and ovarian cancer. Identifiers: Orphanet 145, MedGen C0677776, MeSH D061325, MONDO:0003582. Disease mechanism: loss of function.
Breast-ovarian cancer, familial, susceptibility to, 2 (BROVCA2). Also called: BRCA2 Hereditary Breast and Ovarian Cancer. Identifiers: Orphanet 145, MedGen C2675520, MONDO:0012933, OMIM 612555. Disease mechanism: loss of function.

Allele frequency attached by ClinVar (database versions not stated): TOPMed 0.00004; gnomAD exomes 0.00005 and 0.00006; ESP Exome Variant Server 0.00008; ExAC 0.00009; gnomAD 0.00007.
gnomAD v4.1: 81 of 1,609,200 alleles (0.005%); highest among the groups gnomAD compares: Non-Finnish European, 0.0058%; no homozygotes.

Submissions (9):

Women's Health and Genetics/Laboratory Corporation of America, LabCorp
Classification: Likely benign. Last evaluated: 2026-06-01. Review status: criteria provided, single submitter. Criteria: LabCorp Variant Classification Summary - May 2015. Collection method: clinical testing. Allele origin: germline.
Comment: Variant summary: BRCA2 c.8953+16C>T alters a nucleotide located at a position not widely known to affect splicing. Consensus agreement among computation tools predict no significant impact on normal splicing. However, these predictions have yet to be confirmed by functional studies. The variant allele was found at a frequency of 6.1e-05 in 244558 control chromosomes. This frequency is not significantly higher than estimated for disease-causing variants in BRCA2, allowing no conclusion about variant significance. c.8953+16C>T has been observed in individuals affected with or suspected of Hereditary Breast And Ovarian Cancer Syndrome (Wagner_1999, Kluska_2015). However, these reports do not provide unequivocal conclusions about association of the variant with disease. To our knowledge, no experimental evidence demonstrating an impact on protein function has been reported. The following publications have been ascertained in the context of this evaluation (PMID: 25948282, 9971877). ClinVar contains an entry for this variant (Variation ID: 52708). Based on the evidence outlined above, the variant was classified as likely benign.

Labcorp Genetics (formerly Invitae), Labcorp
Classification: Benign for Hereditary breast ovarian cancer syndrome. Last evaluated: 2026-01-19. Review status: criteria provided, single submitter. Criteria: Invitae Variant Classification Sherloc (09022015). Collection method: clinical testing. Allele origin: germline.

Center for Genomic Medicine, Rigshospitalet, Copenhagen University Hospital
Classification: Likely benign. Last evaluated: 2025-03-04. Review status: criteria provided, single submitter. Criteria: ACMG Guidelines, 2015. Collection method: clinical testing. Allele origin: germline.

Blueprint Genetics
Classification: Likely benign. Last evaluated: 2024-11-20. Review status: criteria provided, single submitter. Criteria: ACMG Guidelines, 2015. Collection method: clinical testing. Allele origin: germline.

Color Diagnostics, LLC DBA Color Health
Classification: Benign for Hereditary cancer-predisposing syndrome. Last evaluated: 2016-08-30. Review status: criteria provided, single submitter. Criteria: ACMG Guidelines, 2015. Collection method: clinical testing. Allele origin: germline.

GeneDx
Classification: Benign. Last evaluated: 2014-09-18. Review status: criteria provided, single submitter. Criteria: GeneDx Variant Classification (06012015). Collection method: clinical testing. Allele origin: germline. Affected: yes.
Comment: This variant is considered likely benign or benign based on one or more of the following criteria: it is a conservative change, it occurs at a poorly conserved position in the protein, it is predicted to be benign by multiple in silico algorithms, and/or has population frequency not consistent with disease.

BRCAlab, Lund University
Classification: Likely benign for Breast-ovarian cancer, familial, susceptibility to, 2. Last evaluated: 2020-03-02. Review status: no assertion criteria provided. Collection method: clinical testing. Allele origin: germline. Affected: yes. Not counted in ClinVar's aggregate classification.

Counsyl
Classification: Likely benign for Breast-ovarian cancer, familial 2. Last evaluated: 2015-02-03. Review status: no assertion criteria provided. Collection method: literature only. Allele origin: unknown. Inheritance: Autosomal dominant inheritance. Not counted in ClinVar's aggregate classification.

Breast Cancer Information Core (BIC) (BRCA2)
Classification: Uncertain significance for Breast-ovarian cancer, familial 2. Last evaluated: 1998-11-30. Review status: no assertion criteria provided. Collection method: clinical testing. Allele origin: germline. Affected: yes. Observed: 1 variant allele. Not counted in ClinVar's aggregate classification.

Literature cited by the submitters: PubMed 9971877 (cited by Women's Health and Genetics/Laboratory Corporation of America, LabCorp and Counsyl); PubMed 25948282 (cited by Women's Health and Genetics/Laboratory Corporation of America, LabCorp).

NM_000059.4(BRCA2):c.8953+16C>T

Gene: BRCA2 (BRCA2 DNA repair associated; plus strand). Cytogenetic location: 13q13.1.
Variant type: single nucleotide variant.
Coding change: c.8953+16C>T on transcript NM_000059.4 (MANE Select); 16 bases into the intron after coding-DNA position 8953, C replaced by T.
Molecular consequence: intron variant.
Genome position (GRCh38, 1-based): chr13:32,379,531, C>T. VCF-style: chr13-32379531-C-T. GRCh37 (hg19) VCF-style: chr13-32953668-C-T.
Other names: IVS22+16C/T.
Identifiers: ClinVar variation 52708 (VCV000052708.25), dbSNP rs81002892, ClinGen allele CA025887.